The following is an entry in ClinVar:

ClinVar aggregate classification (germline): Uncertain significance (1 of 4 stars; one submission).

gnomAD v4.1: 32 of 1,599,406 alleles (0.002%); highest among the groups gnomAD compares: Non-Finnish European, 0.0026%; no homozygotes.

Submission:

Labcorp Genetics (formerly Invitae), Labcorp
Classification: Uncertain significance. Last evaluated: 2025-07-29. Review status: criteria provided, single submitter. Criteria: Invitae Variant Classification Sherloc (09022015). Collection method: clinical testing. Allele origin: germline.
Comment: This sequence change replaces alanine, which is neutral and non-polar, with threonine, which is neutral and polar, at codon 2 of the AAGAB protein (p.Ala2Thr). This variant is present in population databases (rs369542537, gnomAD 0.005%). This variant has not been reported in the literature in individuals affected with AAGAB-related conditions. ClinVar contains an entry for this variant (Variation ID: 1904118). An algorithm developed to predict the effect of missense changes on protein structure and function (PolyPhen-2) suggests that this variant is likely to be disruptive. In summary, the available evidence is currently insufficient to determine the role of this variant in disease. Therefore, it has been classified as a Variant of Uncertain Significance.

NM_024666.5(AAGAB):c.4G>A (p.Ala2Thr)

Genes: AAGAB (alpha and gamma adaptin binding protein; minus strand), LOC130057363 (ATAC-STARR-seq lymphoblastoid active region 9628; plus strand). Cytogenetic location: 15q23.
Variant type: single nucleotide variant.
Coding change: c.4G>A on transcript NM_024666.5 (MANE Select); coding-DNA position 4, G replaced by A.
Protein change: p.Ala2Thr; replaces alanine 2 with threonine.
Molecular consequence: missense variant. On other transcripts: 5 prime UTR variant (1), intron variant (1).
Genome position (GRCh38, 1-based): chr15:67,254,628, C>T on the plus strand (G>A on the coding strand, the complement: AAGAB is on the minus strand). VCF-style: chr15-67254628-C-T. GRCh37 (hg19) VCF-style: chr15-67546966-C-T.
Other names: c.-469G>A (NM_001271886.2); c.-255+509G>A (NM_001271885.2); short protein forms A2T.
Identifiers: ClinVar variation 1904118 (VCV001904118.4), dbSNP rs369542537, ClinGen allele CA7627272.